The following is an entry in ClinVar:

NM_199355.4(ADAMTS18):c.40G>A (p.Ala14Thr)

Gene: ADAMTS18 (ADAM metallopeptidase with thrombospondin type 1 motif 18; minus strand). Cytogenetic location: 16q23.1.
Variant type: single nucleotide variant.
Coding change: c.40G>A on transcript NM_199355.4 (MANE Select); coding-DNA position 40, G replaced by A.
Protein change: p.Ala14Thr; replaces alanine 14 with threonine.
Molecular consequence: missense variant. On other transcripts: 5 prime UTR variant (1).
Genome position (GRCh38, 1-based): chr16:77,434,656, C>T on the plus strand (G>A on the coding strand, the complement: ADAMTS18 is on the minus strand). VCF-style: chr16-77434656-C-T. GRCh37 (hg19) VCF-style: chr16-77468553-C-T.
Other names: c.-481G>A (NM_001326358.2); short protein forms A14T.
Identifiers: ClinVar variation 2140461 (VCV002140461.3), dbSNP rs926207818, ClinGen allele CA284898501.

ClinVar aggregate classification (germline): Uncertain significance (1 of 4 stars; one submission).

Allele frequency attached by ClinVar (database versions not stated): gnomAD 0.00001; TOPMed 0.00001; gnomAD exomes 0.00002.
gnomAD v4.1: 33 of 1,479,884 alleles (0.0022%); highest among the groups gnomAD compares: African/African-American, 0.0044%; no homozygotes.

Submission:

Labcorp Genetics (formerly Invitae), Labcorp
Classification: Uncertain significance. Last evaluated: 2024-01-22. Review status: criteria provided, single submitter. Criteria: Invitae Variant Classification Sherloc (09022015). Collection method: clinical testing. Allele origin: germline.
Comment: This sequence change replaces alanine, which is neutral and non-polar, with threonine, which is neutral and polar, at codon 14 of the ADAMTS18 protein (p.Ala14Thr). The frequency data for this variant in the population databases is considered unreliable, as metrics indicate poor data quality at this position in the gnomAD database. This variant has not been reported in the literature in individuals affected with ADAMTS18-related conditions. ClinVar contains an entry for this variant (Variation ID: 2140461). An algorithm developed to predict the effect of missense changes on protein structure and function (PolyPhen-2) suggests that this variant¬†is likely to be tolerated. In summary, the available evidence is currently insufficient to determine the role of this variant in disease. Therefore, it has been classified as a Variant of Uncertain Significance.